The following is an entry in ClinVar:

ClinVar aggregate classification (germline): Conflicting classifications of pathogenicity. Review status: criteria provided, conflicting classifications (1 of 4 stars). 4 submissions from 4 submitters: Uncertain significance (3); Likely benign (1). Last evaluated 2026-03-01.

Conditions:
Inborn genetic diseases. Identifiers: MedGen C0950123, MeSH D030342.
Spinocerebellar ataxia type 11 (SCA11). Identifiers: Orphanet 98767, MedGen C1858351, MONDO:0011464, OMIM 604432.

Allele frequency attached by ClinVar (database versions not stated): gnomAD 0.00001; gnomAD exomes 0.00002; TOPMed 0.00002.
gnomAD v4.1: 100 of 1,614,092 alleles (0.0062%); highest among the groups gnomAD compares: Non-Finnish European, 0.0081%; no homozygotes.

Submissions (4):

CeGaT Center for Human Genetics Tuebingen
Classification: Likely benign. Last evaluated: 2026-03-01. Review status: criteria provided, single submitter. Criteria: CeGaT Center For Human Genetics Tuebingen Variant Classification Criteria Version 2. Collection method: clinical testing. Allele origin: germline. Affected: yes. Observed: 1 variant allele.
Comment: TTBK2: BP4

Labcorp Genetics (formerly Invitae), Labcorp
Classification: Uncertain significance. Last evaluated: 2023-10-13. Review status: criteria provided, single submitter. Criteria: Invitae Variant Classification Sherloc (09022015). Collection method: clinical testing. Allele origin: germline.
Comment: This sequence change replaces isoleucine, which is neutral and non-polar, with valine, which is neutral and non-polar, at codon 782 of the TTBK2 protein (p.Ile782Val). This variant is present in population databases (rs749726502, gnomAD 0.004%). This variant has not been reported in the literature in individuals affected with TTBK2-related conditions. ClinVar contains an entry for this variant (Variation ID: 888522). Advanced modeling of protein sequence and biophysical properties (such as structural, functional, and spatial information, amino acid conservation, physicochemical variation, residue mobility, and thermodynamic stability) performed at Invitae indicates that this missense variant is not expected to disrupt TTBK2 protein function. In summary, the available evidence is currently insufficient to determine the role of this variant in disease. Therefore, it has been classified as a Variant of Uncertain Significance.

Ambry Genetics
Classification: Uncertain significance for Inborn genetic diseases. Last evaluated: 2023-06-01. Review status: criteria provided, single submitter. Criteria: Ambry Variant Classification Scheme 2023. Collection method: clinical testing. Allele origin: germline.

Illumina Laboratory Services, Illumina
Classification: Uncertain significance for Spinocerebellar ataxia type 11. Last evaluated: 2018-01-13. Review status: criteria provided, single submitter. Criteria: ICSL Variant Classification Criteria 13 December 2019. Collection method: clinical testing. Allele origin: germline.

NM_173500.4(TTBK2):c.2344A>G (p.Ile782Val)

Gene: TTBK2 (tau tubulin kinase 2; minus strand). Cytogenetic location: 15q15.2.
Variant type: single nucleotide variant.
Coding change: c.2344A>G on transcript NM_173500.4 (MANE Select); coding-DNA position 2344, A replaced by G.
Protein change: p.Ile782Val; replaces isoleucine 782 with valine.
Molecular consequence: missense variant.
Genome position (GRCh38, 1-based): chr15:42,752,902, T>C on the plus strand (A>G on the coding strand, the complement: TTBK2 is on the minus strand). VCF-style: chr15-42752902-T-C. GRCh37 (hg19) VCF-style: chr15-43045100-T-C.
Other names: short protein forms I782V.
Identifiers: ClinVar variation 888522 (VCV000888522.13), dbSNP rs749726502, ClinGen allele CA269927894.
Genomic context (GRCh38, chr15:42,752,902, plus strand): 5'-TCTCAATACAATGCTGCCCTCTACTTAACTTCTCATCTTCATTATCTGACTCTAAAAGGA[T>C]GCTTTTCTCTTCAGTTTCCCCAGGGAGATTTTCAAATTCTCTCACAACCAGTCTATTATG-3'
Protein context (NP_775771.3, residues 772-792): NLPGETEEKS[Ile782Val]LLESDNEDEK